The following is an entry in ClinVar:

ClinVar aggregate classification (germline): Likely benign. Review status: criteria provided, single submitter (1 of 4 stars). 2 submissions from 2 submitters: Likely benign (1). 1 of the submissions does not count toward it. Last evaluated 2023-12-08.

Conditions:
ZFHX2-related disorder. Also called: ZFHX2-related condition.

gnomAD v4.1: 45 of 1,528,006 alleles (0.0029%); highest among the groups gnomAD compares: Non-Finnish European, 0.0039%; no homozygotes.

Submissions (2):

Blueprint Genetics
Classification: Likely benign. Last evaluated: 2023-12-08. Review status: criteria provided, single submitter. Criteria: ACMG Guidelines, 2015. Collection method: clinical testing. Allele origin: germline.

PreventionGenetics, part of Exact Sciences
Classification: Likely benign for ZFHX2-related condition. Last evaluated: 2019-08-29. Review status: no assertion criteria provided. Collection method: clinical testing. Allele origin: germline. Not counted in ClinVar's aggregate classification.
Comment: This variant is classified as likely benign based on ACMG/AMP sequence variant interpretation guidelines (Richards et al. 2015 PMID: 25741868, with internal and published modifications).

NM_033400.3(ZFHX2):c.7548C>T (p.Ser2516=)

Genes: THTPA (thiamine triphosphatase; plus strand), ZFHX2 (zinc finger homeobox 2; minus strand). Cytogenetic location: 14q11.2.
Variant type: single nucleotide variant.
Coding change: c.7548C>T on transcript NM_033400.3 (MANE Select); coding-DNA position 7548, C replaced by T.
Protein change: p.Ser2516=; no amino-acid change (serine 2516 retained).
Molecular consequence: synonymous variant.
Genome position (GRCh38, 1-based): chr14:23,522,133, G>A on the plus strand (C>T on the coding strand, the complement: ZFHX2 is on the minus strand). VCF-style: chr14-23522133-G-A. GRCh37 (hg19) VCF-style: chr14-23991342-G-A.
Identifiers: ClinVar variation 3358810 (VCV003358810.2).